The following is an entry in ClinVar:

NM_006363.6(SEC23B):c.678T>C (p.Phe226=)

Genes: SEC23B (SEC23 homolog B, COPII component; plus strand), LOC126862987 (MED14-independent group 3 enhancer GRCh37_chr20:18504796-18505995; plus strand). Cytogenetic location: 20p11.23.
Variant type: single nucleotide variant.
Coding change: c.678T>C on transcript NM_006363.6 (MANE Select); coding-DNA position 678, T replaced by C.
Protein change: p.Phe226=; no amino-acid change (phenylalanine 226 retained).
Molecular consequence: synonymous variant.
Genome position (GRCh38, 1-based): chr20:18,525,009, T>C. VCF-style: chr20-18525009-T-C. GRCh37 (hg19) VCF-style: chr20-18505653-T-C.
Other names: c.678T>C, p.Phe226= (NM_001172745.3, NM_032985.6, NM_032986.5); c.624T>C, p.Phe208= (NM_001172746.3).
Identifiers: ClinVar variation 3067441 (VCV003067441.21), dbSNP rs1164959255, ClinGen allele CA509825456.
Genomic context (GRCh38, chr20:18,525,009, plus strand): 5'-GACCAAGCCAGCCATGCCCATGCAGCAAGCACGACCTGCACAACCACAGGAGCACCCTTT[T>C]GCTTCAAGCAGGTGAGAGCCCAACATGGAGTGTTACACGTATTGTGATGGACATGCAGAT-3'
Protein context (NP_006354.2, residues 216-236): ARPAQPQEHP[Phe226=]ASSRFLQPVH

ClinVar aggregate classification (germline): Likely benign (1 of 4 stars; one submission).

Allele frequency attached by ClinVar (database versions not stated): gnomAD 0.00001.
gnomAD v4.1: 1 of 1,614,072 alleles (0.000062%); highest among the groups gnomAD compares: Non-Finnish European, 0.000085%; no homozygotes.

Submission:

CeGaT Center for Human Genetics Tuebingen
Classification: Likely benign. Last evaluated: 2024-03-01. Review status: criteria provided, single submitter. Criteria: CeGaT Center For Human Genetics Tuebingen Variant Classification Criteria Version 2. Collection method: clinical testing. Allele origin: germline. Affected: yes. Observed: 1 variant allele.
Comment: SEC23B: BP4, BP7